The following is an entry in ClinVar:

NM_000293.3(PHKB):c.1514+1G>A

Gene: PHKB (phosphorylase kinase regulatory subunit beta; plus strand). Cytogenetic location: 16q12.1.
Variant type: single nucleotide variant.
Coding change: c.1514+1G>A on transcript NM_000293.3 (MANE Select); the canonical splice donor site of the intron after coding-DNA position 1514, G replaced by A.
Molecular consequence: splice donor variant.
Genome position (GRCh38, 1-based): chr16:47,641,091, G>A. VCF-style: chr16-47641091-G-A. GRCh37 (hg19) VCF-style: chr16-47675002-G-A.
Other names: c.1514+1G>A (NM_001363837.1); c.1493+1G>A (NM_001031835.3).
Identifiers: ClinVar variation 4823315 (VCV004823315.4).
Genomic context (GRCh38, chr16:47,641,091, plus strand): 5'-ACAGGGCCCACTGGAAAATGACTTGGTAGTTCATGTGGCACTTATAGCAGAAAGCCAAAG[G>A]TATGAAATCCAAGTGGGTGGTGTGTTTTTTTGTGGGGAGGGGAGGGGAGGGGAAATGATT-3'

ClinVar aggregate classification (germline): Pathogenic (1 of 4 stars; one submission).

Submission:

CeGaT Center for Human Genetics Tuebingen
Classification: Pathogenic. Last evaluated: 2026-02-01. Review status: criteria provided, single submitter. Criteria: CeGaT Center For Human Genetics Tuebingen Variant Classification Criteria Version 2. Collection method: clinical testing. Allele origin: germline. Affected: yes. Observed: 1 variant allele.
Comment: PHKB: PVS1, PM2